The following is an entry in ClinVar:

NM_015662.3(IFT172):c.2410dup (p.Ala804fs)

Gene: IFT172 (intraflagellar transport 172; minus strand). Cytogenetic location: 2p23.3.
Variant type: Duplication.
Coding change: c.2410dup on transcript NM_015662.3 (MANE Select); coding-DNA position 2410, one base duplicated (G; older notation c.2410dupG).
Protein change: p.Ala804fs; shifts the reading frame from alanine 804.
Molecular consequence: frameshift variant.
Genome position (GRCh38, 1-based): chr2:27,461,301, C duplicated on the plus strand (G on the coding strand, the reverse complement: IFT172 is on the minus strand). VCF-style (leftmost placement, unchanged base first): chr2-27461300-G-GC. GRCh37 (hg19) VCF-style: chr2-27684167-G-GC.
Other names: c.2344dup, p.Ala782fs (NM_001410739.1); short protein forms A782fs, A804fs.
Identifiers: ClinVar variation 3349867 (VCV003349867.1).
Genomic context (GRCh38, chr2:27,461,300, plus strand): 5'-TAAGGGCTAGGAAAAGGAAGCCAGCATACCCTTTCGTAGAGTTCCCCCTTGATAAGGGCT[G>GC]CAGTGATGTGTTCTACCAGCTCTGTGTTGGCTAGCAGTTCCTCTCGGGTCAGCACCAGCC-3'

ClinVar aggregate classification (germline): Likely pathogenic (0 of 4 stars; one submission).

Conditions:
IFT172-related disorder. Also called: IFT172-related disorders; IFT172-related condition.

Submission:

PreventionGenetics, part of Exact Sciences
Classification: Likely pathogenic for IFT172-related condition. Last evaluated: 2023-11-22. Review status: no assertion criteria provided. Collection method: clinical testing. Allele origin: germline.
Comment: The IFT172 c.2410dupG variant is predicted to result in a frameshift and premature protein termination (p.Ala804Glyfs*14). To our knowledge, this variant has not been reported in the literature or in a large population database, indicating this variant is rare. Frameshift variants in IFT172 are expected to be pathogenic. This variant is interpreted as likely pathogenic.